The following is an entry in ClinVar:

ClinVar aggregate classification (germline): Pathogenic. Review status: criteria provided, multiple submitters, no conflicts (2 of 4 stars). 2 submissions from 2 submitters: Pathogenic (2). Last evaluated 2019-08-06.

Submissions (2):

Labcorp Genetics (formerly Invitae), Labcorp
Classification: Pathogenic. Last evaluated: 2019-08-06. Review status: criteria provided, single submitter. Criteria: Invitae Variant Classification Sherloc (09022015). Collection method: clinical testing. Allele origin: germline.
Comment: This variant is not present in population databases (ExAC no frequency). For these reasons, this variant has been classified as Pathogenic. Donor and acceptor splice site variants typically lead to a loss of protein function (PMID: 16199547), and loss-of-function variants in PHEX are known to be pathogenic (PMID: 9097956, 9106524, 19219621). Algorithms developed to predict the effect of sequence changes on RNA splicing suggest that this variant may disrupt the consensus splice site, but this prediction has not been confirmed by published transcriptional studies. Disruption of this splice site has been observed in individuals affected with hypophosphatemia (PMID: 21293852, Invitae). ClinVar contains an entry for this variant (Variation ID: 373319). This sequence change affects a donor splice site in intron 5 of the PHEX gene. It is expected to disrupt RNA splicing and likely results in an absent or disrupted protein product.

GeneDx
Classification: Pathogenic. Last evaluated: 2016-11-08. Review status: criteria provided, single submitter. Criteria: GeneDx Variant Classification (06012015). Collection method: clinical testing. Allele origin: germline. Affected: yes.
Comment: The c.663+2 T>A splice site variant in the PHEX gene destroys the canonical splice donor site in intron 5. It is predicted to cause abnormal gene splicing, either leading to an abnormal message that is subject to nonsense-mediated mRNA decay, or to an abnormal protein product if the message is used for protein translation. The variant was not observed in approximately 6,500 individuals of European and African American ancestry in the NHLBI Exome Sequencing Project, indicating it is not a common benign variant in these populations. Additionally, a nearby canonical splice variant (c.663+1 G>A) has been reported in the Human Gene Mutation Database in association with hypophosphatemic rickets (Stenson et al., 2014).

Literature cited by the submitters: PubMed 16199547 (cited by Labcorp Genetics (formerly Invitae), Labcorp); PubMed 9097956 (cited by Labcorp Genetics (formerly Invitae), Labcorp); PubMed 9106524 (cited by Labcorp Genetics (formerly Invitae), Labcorp); PubMed 19219621 (cited by Labcorp Genetics (formerly Invitae), Labcorp); PubMed 21293852 (cited by Labcorp Genetics (formerly Invitae), Labcorp).

NM_000444.6(PHEX):c.663+2T>A

Gene: PHEX (phosphate regulating endopeptidase X-linked; plus strand). Cytogenetic location: Xp22.11.
Variant type: single nucleotide variant.
Coding change: c.663+2T>A on transcript NM_000444.6 (MANE Select); the canonical splice donor site of the intron after coding-DNA position 663, T replaced by A.
Molecular consequence: splice donor variant.
Genome position (GRCh38, 1-based): chrX:22,077,704, T>A. VCF-style: chrX-22077704-T-A. GRCh37 (hg19) VCF-style: chrX-22095822-T-A.
Other names: c.663+2T>A (NM_001282754.2).
Identifiers: ClinVar variation 373319 (VCV000373319.12), dbSNP rs1057518348, ClinGen allele CA16043246.
Genomic context (GRCh38, chrX:22,077,704, plus strand): 5'-TGTTCATCCGTTTGTATGTGTCCCCTGATGACAAAGCATCCAATGAACATATCTTGAAGG[T>A]ATAATGAGGACCCATTCATCTTCTTTGCTCAGTCCTAGATTAGCCTTTTGGGGTGCCATC-3'